The following is an entry in ClinVar:

NM_001048174.2(MUTYH):c.1145A>C (p.Glu382Ala)

Gene: MUTYH (mutY DNA glycosylase; minus strand). Cytogenetic location: 1p34.1.
Variant type: single nucleotide variant.
Coding change: c.1145A>C on transcript NM_001048174.2 (MANE Select); coding-DNA position 1145, A replaced by C.
Protein change: p.Glu382Ala; replaces glutamic acid 382 with alanine.
Molecular consequence: missense variant. On other transcripts: non-coding transcript variant (7).
Genome position (GRCh38, 1-based): chr1:45,331,514, T>G on the plus strand (A>C on the coding strand, the complement: MUTYH is on the minus strand). VCF-style: chr1-45331514-T-G. GRCh37 (hg19) VCF-style: chr1-45797186-T-G.
Other names: c.869A>C, p.Glu290Ala (NM_001293192.2, NM_001407091.1, NM_001293196.2); c.1187A>C, p.Glu396Ala (NM_001407085.1, NM_001407083.1); c.1148A>C, p.Glu383Ala (NM_001407086.1, NM_001407078.1, NM_001407071.1 and 1 more transcripts); c.1166A>C, p.Glu389Ala (NM_001407087.1); c.1145A>C, p.Glu382Ala (NM_001407088.1, NM_001407089.1, NM_001407081.1 and 6 more transcripts); c.1220A>C, p.Glu407Ala (NM_012222.3); c.1106A>C, p.Glu369Ala (NM_001407079.1); c.1103A>C, p.Glu368Ala (NM_001407080.1); and 5 more; short protein forms E396A, E267A, E368A, E369A, E383A, E290A, E354A, E389A.
Identifiers: ClinVar variation 4113101 (VCV004113101.1).

ClinVar aggregate classification (germline): Uncertain significance (1 of 4 stars; one submission).

Conditions:
Hereditary cancer-predisposing syndrome. Also called: Tumor predisposition; Neoplastic Syndromes, Hereditary; Hereditary neoplastic syndrome; Hereditary Cancer Syndrome. Identifiers: Orphanet 140162, MedGen C0027672, MeSH D009386, MONDO:0015356.

Submission:

Ambry Genetics
Classification: Uncertain significance for Hereditary cancer-predisposing syndrome. Last evaluated: 2025-08-27. Review status: criteria provided, single submitter. Criteria: Ambry Variant Classification Scheme 2023. Collection method: clinical testing. Allele origin: germline.
Comment: The p.E410A variant (also known as c.1229A>C), located in coding exon 13 of the MUTYH gene, results from an A to C substitution at nucleotide position 1229. The glutamic acid at codon 410 is replaced by alanine, an amino acid with dissimilar properties. This amino acid position is conserved. In addition, this alteration is predicted to be tolerated by in silico analysis. Based on the available evidence, the clinical significance of this variant remains unclear.